The following is an entry in ClinVar:

ClinVar aggregate classification (germline): Uncertain significance (1 of 4 stars; one submission).

gnomAD v4.1: 4 of 1,612,326 alleles (0.00025%); highest among the groups gnomAD compares: Non-Finnish European, 0.00034%; no homozygotes.

Submission:

GeneDx
Classification: Uncertain significance. Last evaluated: 2026-03-29. Review status: criteria provided, single submitter. Criteria: GeneDx Variant Classification Process June 2021. Collection method: clinical testing. Allele origin: germline.
Comment: Not observed at significant frequency in large population cohorts (gnomAD); In silico analysis supports that this missense variant has a deleterious effect on protein structure/function; Has not been previously published as pathogenic or benign to our knowledge

NM_014974.3(DIP2C):c.2890G>A (p.Asp964Asn)

Gene: DIP2C (DIP2 acetate--CoA ligase C (putative); minus strand). Cytogenetic location: 10p15.3.
Variant type: single nucleotide variant.
Coding change: c.2890G>A on transcript NM_014974.3 (MANE Select); coding-DNA position 2890, G replaced by A.
Protein change: p.Asp964Asn; replaces aspartic acid 964 with asparagine.
Molecular consequence: missense variant.
Genome position (GRCh38, 1-based): chr10:357,842, C>T on the plus strand (G>A on the coding strand, the complement: DIP2C is on the minus strand). VCF-style: chr10-357842-C-T. GRCh37 (hg19) VCF-style: chr10-403782-C-T.
Other names: short protein forms D964N.
Identifiers: ClinVar variation 5017879 (VCV005017879.1).
Genomic context (GRCh38, chr10:357,842, plus strand): 5'-GGAAAAGTCGGGGACGGTCGGGGAGACTCAGGGACCCAGCTCCTACCTTGCGTGCCTGGT[C>T]GTTATCTTCGATCTGACCCAGGTCTCTGCCACTGGCCTGGGCGATTCTCTTCCCAGAGAC-3'
Protein context (NP_055789.1, residues 954-974): GRDLGQIEDN[Asp964Asn]QARKFLFLSE